The following is an entry in ClinVar:

ClinVar aggregate classification (germline): Pathogenic/Likely pathogenic. Review status: criteria provided, multiple submitters, no conflicts (2 of 4 stars). 9 submissions from 9 submitters: Pathogenic (5); Likely pathogenic (4). Last evaluated 2026-07-05.

Conditions:
Inborn genetic diseases. Identifiers: MedGen C0950123, MeSH D030342.
KBG syndrome (KBGS). Also called: ANKRD11-Related KBG Syndrome. Identifiers: Orphanet 2332, MedGen C0220687, MONDO:0007846, OMIM 148050.
Sudden unexplained death in childhood. Identifiers: MedGen C3827273, MONDO:1010117.

Submissions (9):

Umrani?ye Training and Research Hospital
Classification: Likely pathogenic for KBG syndrome. Last evaluated: 2026-07-05. Review status: criteria provided, single submitter. Criteria: ACMG Guidelines, 2015. Collection method: clinical testing. Allele origin: germline. Inheritance: Autosomal dominant inheritance. Affected: yes.
Comment: PM1 (C-terminal degron), PM2, PP3 (in-silico deleterious; AlphaMissense 0.98)

Equipe Genetique des Anomalies du Developpement, Université de Bourgogne
Classification: Pathogenic for KBG syndrome. Last evaluated: 2024-02-12. Review status: criteria provided, single submitter. Criteria: ACMG Guidelines, 2015. Collection method: clinical testing. Allele origin: paternal. Affected: yes.

Revvity Omics, Revvity
Classification: Pathogenic for KBG syndrome. Last evaluated: 2023-02-07. Review status: criteria provided, single submitter. Criteria: ACMG Guidelines, 2015. Collection method: clinical testing. Allele origin: germline.

Greenwood Genetic Center Diagnostic Laboratories, Greenwood Genetic Center
Classification: Likely pathogenic for KBG syndrome. Last evaluated: 2022-09-20. Review status: criteria provided, single submitter. Criteria: ACMG Guidelines, 2015. Collection method: clinical testing. Allele origin: germline. Affected: yes.
Comment: PS4_Supporting, PM2, PM5_Supporting, PM6, PP3

3billion
Classification: Pathogenic for KBG syndrome. Last evaluated: 2022-09-01. Review status: criteria provided, single submitter. Criteria: ACMG Guidelines, 2015. Collection method: clinical testing. Allele origin: germline. Affected: yes. Observed: 1 heterozygote.
Comment: The variant is not observed in the gnomAD v2.1.1 dataset. In silico tool predictions suggest damaging effect of the variant on gene or gene product (REVEL: 0.67; 3Cnet: 0.96). Same nucleotide change resulting in same amino acid change has been previously reported as pathogenic/likely pathogenic with strong evidence (ClinVar ID: VCV000985348). The variant has been previously reported as de novo in a similarly affected individual (PMID: 31191201). A different missense change at the same codon (p.Arg2512Gln) has been reported as pathogenic/likely pathogenic with strong evidence (ClinVar ID: VCV000932137). Therefore, this variant is classified as Pathogenic according to the recommendation of ACMG/AMP guideline.

GeneDx
Classification: Pathogenic. Last evaluated: 2021-12-02. Review status: criteria provided, single submitter. Criteria: GeneDx Variant Classification Process June 2021. Collection method: clinical testing. Allele origin: germline. Affected: yes.
Comment: Not observed at significant frequency in large population cohorts (Lek et al., 2016); In silico analysis supports that this missense variant has a deleterious effect on protein structure/function; This variant is associated with the following publications: (PMID: 32258089, 31191201)

Robert's Program, Boston Children's Hospital
Classification: Pathogenic for Sudden unexplained death in childhood. Last evaluated: 2021-10-01. Review status: criteria provided, single submitter. Criteria: ACMG Guidelines, 2015. Collection method: research. Allele origin: germline. Affected: yes.
Comment: We classify this variant as pathogenic using the following ACMG/AMP criteria: PVS1, PS2, PM2

Dr. med. U. Finckh, Human Genetics, Eurofins MVZ
Classification: Likely pathogenic for KBG syndrome. Last evaluated: 2019-07-15. Review status: criteria provided, single submitter. Criteria: ACMG Guidelines, 2015. Collection method: clinical testing. Allele origin: unknown. Affected: yes.

Ambry Genetics
Classification: Likely pathogenic for Inborn genetic diseases. Last evaluated: 2018-08-27. Review status: criteria provided, single submitter. Criteria: Ambry exome assertion method (8-5-2015). Collection method: clinical testing. Allele origin: germline. Affected: yes. Observed: 1 variant allele.

Literature cited by the submitters: PubMed 42808190 (cited by Umrani?ye Training and Research Hospital); PubMed 31191201 (cited by 3billion); PubMed 25413698 (cited by Ambry Genetics).

NM_013275.6(ANKRD11):c.7534C>T (p.Arg2512Trp)

Gene: ANKRD11 (ankyrin repeat domain 11; minus strand). Cytogenetic location: 16q24.3.
Variant type: single nucleotide variant.
Coding change: c.7534C>T on transcript NM_013275.6 (MANE Select); coding-DNA position 7534, C replaced by T.
Protein change: p.Arg2512Trp; replaces arginine 2512 with tryptophan.
Molecular consequence: missense variant.
Genome position (GRCh38, 1-based): chr16:89,275,128, G>A on the plus strand (C>T on the coding strand, the complement: ANKRD11 is on the minus strand). VCF-style: chr16-89275128-G-A. GRCh37 (hg19) VCF-style: chr16-89341536-G-A.
Other names: NP_037407.4:p.(Arg2512Trp); c.7534C>T, p.Arg2512Trp (NM_001256182.2, NM_001256183.2); c.7534C>T (NM_013275.5); short protein forms R2512W.
Identifiers: ClinVar variation 985348 (VCV000985348.13), dbSNP rs2033536147, ClinGen allele CA397147849.